The following is an entry in ClinVar:

NM_002439.5(MSH3):c.1341-2A>C

Gene: MSH3 (mutS homolog 3; plus strand). Cytogenetic location: 5q14.1.
Variant type: single nucleotide variant.
Coding change: c.1341-2A>C on transcript NM_002439.5 (MANE Select); the canonical splice acceptor site of the intron before coding-DNA position 1341, A replaced by C.
Molecular consequence: splice acceptor variant.
Genome position (GRCh38, 1-based): chr5:80,725,451, A>C. VCF-style: chr5-80725451-A-C. GRCh37 (hg19) VCF-style: chr5-80021270-A-C.
Other names: c.1341-2A>C (NM_002439.3).
Identifiers: ClinVar variation 645546 (VCV000645546.8), dbSNP rs750876165, ClinGen allele CA360273332.

ClinVar aggregate classification (germline): Likely pathogenic. Review status: criteria provided, multiple submitters, no conflicts (2 of 4 stars). 2 submissions from 2 submitters: Likely pathogenic (2). Last evaluated 2025-09-29.

Conditions:
Hereditary cancer-predisposing syndrome. Also called: Hereditary Cancer Syndrome; Tumor predisposition; Hereditary neoplastic syndrome; Neoplastic Syndromes, Hereditary. Identifiers: Orphanet 140162, MedGen C0027672, MeSH D009386, MONDO:0015356.

Submissions (2):

Ambry Genetics
Classification: Likely pathogenic for Hereditary cancer-predisposing syndrome. Last evaluated: 2025-09-29. Review status: criteria provided, single submitter. Criteria: Ambry Variant Classification Scheme 2023. Collection method: clinical testing. Allele origin: germline.
Comment: The c.1341-2A>C intronic variant results from an A to C substitution two nucleotides upstream from coding exon 9 in the MSH3 gene. This nucleotide position is highly conserved in available vertebrate species. In silico splice site analysis predicts that this alteration will weaken the native splice acceptor site and will result in the creation or strengthening of a novel splice acceptor site. RNA studies have demonstrated that this alteration results in abnormal splicing in the set of samples tested (Ambry internal data). This variant is considered to be rare based on population cohorts in the Genome Aggregation Database (gnomAD). Based on the majority of available evidence to date, this variant is likely to be pathogenic.

Labcorp Genetics (formerly Invitae), Labcorp
Classification: Likely pathogenic. Last evaluated: 2018-11-08. Review status: criteria provided, single submitter. Criteria: Invitae Variant Classification Sherloc (09022015). Collection method: clinical testing. Allele origin: germline.
Comment: Donor and acceptor splice site variants typically lead to a loss of protein function (PMID: 16199547), and loss-of-function variants in MSH3 are known to be pathogenic (PMID: 27476653). In summary, the currently available evidence indicates that the variant is pathogenic, but additional data are needed to prove that conclusively. Therefore, this variant has been classified as Likely Pathogenic. This variant has not been reported in the literature in individuals with MSH3-related disease. This variant is not present in population databases (ExAC no frequency). This sequence change affects an acceptor splice site in intron 8 of the MSH3 gene. It is expected to disrupt RNA splicing and likely results in an absent or disrupted protein product.

Literature cited by the submitters: PubMed 16199547 (cited by Labcorp Genetics (formerly Invitae), Labcorp); PubMed 27476653 (cited by Labcorp Genetics (formerly Invitae), Labcorp).